The following is an entry in ClinVar:

ClinVar aggregate classification (germline): Conflicting classifications of pathogenicity. Review status: criteria provided, conflicting classifications (1 of 4 stars). 4 submissions from 4 submitters: Uncertain significance (2); Likely benign (2). Last evaluated 2024-01-23.

Conditions:
Inborn genetic diseases. Identifiers: MedGen C0950123, MeSH D030342.

Allele frequency attached by ClinVar (database versions not stated): TOPMed 0.00022; ESP Exome Variant Server 0.00023.
gnomAD v4.1: 634 of 1,612,842 alleles (0.039%); highest among the groups gnomAD compares: Non-Finnish European, 0.051%; no homozygotes.

Submissions (4):

Blueprint Genetics
Classification: Likely benign. Last evaluated: 2024-01-23. Review status: criteria provided, single submitter. Criteria: ACMG Guidelines, 2015. Collection method: clinical testing. Allele origin: germline.

Labcorp Genetics (formerly Invitae), Labcorp
Classification: Uncertain significance. Last evaluated: 2024-01-14. Review status: criteria provided, single submitter. Criteria: Invitae Variant Classification Sherloc (09022015). Collection method: clinical testing. Allele origin: germline.
Comment: This sequence change replaces glycine, which is neutral and non-polar, with valine, which is neutral and non-polar, at codon 6 of the ATF6 protein (p.Gly6Val). This variant is present in population databases (rs200220130, gnomAD 0.04%). This variant has not been reported in the literature in individuals affected with ATF6-related conditions. ClinVar contains an entry for this variant (Variation ID: 859586). An algorithm developed to predict the effect of missense changes on protein structure and function (PolyPhen-2) suggests that this variant¬†is likely to be tolerated. In summary, the available evidence is currently insufficient to determine the role of this variant in disease. Therefore, it has been classified as a Variant of Uncertain Significance.

Ambry Genetics
Classification: Uncertain significance for Inborn genetic diseases. Last evaluated: 2023-09-20. Review status: criteria provided, single submitter. Criteria: Ambry Variant Classification Scheme 2023. Collection method: clinical testing. Allele origin: germline.

CeGaT Center for Human Genetics Tuebingen
Classification: Likely benign. Last evaluated: 2023-06-01. Review status: criteria provided, single submitter. Criteria: CeGaT Center For Human Genetics Tuebingen Variant Classification Criteria Version 2. Collection method: clinical testing. Allele origin: germline. Affected: yes. Observed: 1 variant allele.
Comment: ATF6: BP4

NM_007348.4(ATF6):c.17G>T (p.Gly6Val)

Gene: ATF6 (activating transcription factor 6; plus strand). Cytogenetic location: 1q23.3.
Variant type: single nucleotide variant.
Coding change: c.17G>T on transcript NM_007348.4 (MANE Select); coding-DNA position 17, G replaced by T.
Protein change: p.Gly6Val; replaces glycine 6 with valine.
Molecular consequence: missense variant.
Genome position (GRCh38, 1-based): chr1:161,766,377, G>T. VCF-style: chr1-161766377-G-T. GRCh37 (hg19) VCF-style: chr1-161736167-G-T.
Other names: short protein forms G6V.
Identifiers: ClinVar variation 859586 (VCV000859586.30), dbSNP rs200220130, ClinGen allele CA1214059.
Genomic context (GRCh38, chr1:161,766,377, plus strand): 5'-CCCAGATATTAATCACGGAGTTCCAGGGAGAAGGAACTTGTGAAATGGGGGAGCCGGCTG[G>T]GGTTGCCGGCACCATGGAGTCACCTTTTAGCCCGGGACTCTTTCACAGGCTGGATGAAGA-3'
Protein context (NP_031374.2, residues 1-16): MGEPA[Gly6Val]VAGTMESPFS